The following is an entry in ClinVar:

NM_001165963.4(SCN1A):c.362C>G (p.Ala121Gly)

Gene: SCN1A (sodium voltage-gated channel alpha subunit 1; minus strand). Cytogenetic location: 2q24.3.
Variant type: single nucleotide variant.
Coding change: c.362C>G on transcript NM_001165963.4 (MANE Select); coding-DNA position 362, C replaced by G.
Protein change: p.Ala121Gly; replaces alanine 121 with glycine.
Molecular consequence: missense variant. On other transcripts: 5 prime UTR variant (1), non-coding transcript variant (1).
Genome position (GRCh38, 1-based): chr2:166,058,591, G>C on the plus strand (C>G on the coding strand, the complement: SCN1A is on the minus strand). VCF-style: chr2-166058591-G-C. GRCh37 (hg19) VCF-style: chr2-166915101-G-C.
Other names: c.362C>G, p.Ala121Gly (NM_001165964.3, NM_001202435.3, NM_001353948.2 and 10 more transcripts); c.-2064C>G (NM_001353961.2); short protein forms A121G.
Identifiers: ClinVar variation 2857476 (VCV002857476.3), dbSNP rs2468271842, ClinGen allele CA349076855.

ClinVar aggregate classification (germline): Likely pathogenic (1 of 4 stars; one submission).

Conditions:
Early-infantile DEE. Also called: Ohtahara syndrome; Early infantile epileptic encephalopathy with suppression bursts; Early infantile epileptic encephalopathy. Identifiers: Orphanet 1934, MedGen C0393706, MONDO:0800491.

Submission:

Labcorp Genetics (formerly Invitae), Labcorp
Classification: Likely pathogenic for Early-infantile DEE. Last evaluated: 2023-04-18. Review status: criteria provided, single submitter. Criteria: Invitae Variant Classification Sherloc (09022015). Collection method: clinical testing. Allele origin: germline.
Comment: This variant has not been reported in the literature in individuals affected with SCN1A-related conditions. This variant is not present in population databases (gnomAD no frequency). This sequence change replaces alanine, which is neutral and non-polar, with glycine, which is neutral and non-polar, at codon 121 of the SCN1A protein (p.Ala121Gly). Advanced modeling of protein sequence and biophysical properties (such as structural, functional, and spatial information, amino acid conservation, physicochemical variation, residue mobility, and thermodynamic stability) performed at Invitae indicates that this missense variant is expected to disrupt SCN1A protein function. In summary, the currently available evidence indicates that the variant is pathogenic, but additional data are needed to prove that conclusively. Therefore, this variant has been classified as Likely Pathogenic. This variant disrupts the p.Ala121 amino acid residue in SCN1A. Other variant(s) that disrupt this residue have been determined to be pathogenic (PMID: 32238909). This suggests that this residue is clinically significant, and that variants that disrupt this residue are likely to be disease-causing.

Literature cited by the submitters: PubMed 32238909.